The following is an entry in ClinVar:

ClinVar aggregate classification (germline): Uncertain significance. Review status: criteria provided, multiple submitters, no conflicts (2 of 4 stars). 2 submissions from 2 submitters: Uncertain significance (2). Last evaluated 2024-10-15.

Allele frequency attached by ClinVar (database versions not stated): gnomAD exomes below 0.00001; TOPMed below 0.00001; ExAC 0.00001.
gnomAD v4.1: 7 of 1,607,320 alleles (0.00044%); no homozygotes.

Submissions (2):

Labcorp Genetics (formerly Invitae), Labcorp
Classification: Uncertain significance. Last evaluated: 2024-10-15. Review status: criteria provided, single submitter. Criteria: Invitae Variant Classification Sherloc (09022015). Collection method: clinical testing. Allele origin: germline.
Comment: This sequence change replaces proline, which is neutral and non-polar, with leucine, which is neutral and non-polar, at codon 1186 of the ADAMTS18 protein (p.Pro1186Leu). This variant is present in population databases (rs766827255, gnomAD 0.006%). This variant has not been reported in the literature in individuals affected with ADAMTS18-related conditions. ClinVar contains an entry for this variant (Variation ID: 1507127). An algorithm developed to predict the effect of missense changes on protein structure and function (PolyPhen-2) suggests that this variant is likely to be tolerated. In summary, the available evidence is currently insufficient to determine the role of this variant in disease. Therefore, it has been classified as a Variant of Uncertain Significance.

Blueprint Genetics
Classification: Uncertain significance. Last evaluated: 2019-10-28. Review status: criteria provided, single submitter. Criteria: ACMG Guidelines, 2015. Collection method: clinical testing. Allele origin: germline.

NM_199355.4(ADAMTS18):c.3557C>T (p.Pro1186Leu)

Gene: ADAMTS18 (ADAM metallopeptidase with thrombospondin type 1 motif 18; minus strand). Cytogenetic location: 16q23.1.
Variant type: single nucleotide variant.
Coding change: c.3557C>T on transcript NM_199355.4 (MANE Select); coding-DNA position 3557, C replaced by T.
Protein change: p.Pro1186Leu; replaces proline 1186 with leucine.
Molecular consequence: missense variant.
Genome position (GRCh38, 1-based): chr16:77,284,065, G>A on the plus strand (C>T on the coding strand, the complement: ADAMTS18 is on the minus strand). VCF-style: chr16-77284065-G-A. GRCh37 (hg19) VCF-style: chr16-77317962-G-A.
Other names: c.3041C>T, p.Pro1014Leu (NM_001326358.2); short protein forms P1186L, P1014L.
Identifiers: ClinVar variation 1507127 (VCV001507127.9), dbSNP rs766827255, ClinGen allele CA8180351.